The following is an entry in ClinVar:

ClinVar aggregate classification (germline): Uncertain significance (1 of 4 stars; one submission).

Submission:

Labcorp Genetics (formerly Invitae), Labcorp
Classification: Uncertain significance. Last evaluated: 2024-11-21. Review status: criteria provided, single submitter. Criteria: Invitae Variant Classification Sherloc (09022015). Collection method: clinical testing. Allele origin: germline.
Comment: This sequence change replaces histidine, which is basic and polar, with asparagine, which is neutral and polar, at codon 196 of the KIF20A protein (p.His196Asn). This variant is not present in population databases (gnomAD no frequency). This variant has not been reported in the literature in individuals affected with KIF20A-related conditions. An algorithm developed to predict the effect of missense changes on protein structure and function (PolyPhen-2) suggests that this variant is likely to be tolerated. In summary, the available evidence is currently insufficient to determine the role of this variant in disease. Therefore, it has been classified as a Variant of Uncertain Significance.

NM_005733.3(KIF20A):c.586C>A (p.His196Asn)

Gene: KIF20A (kinesin family member 20A; plus strand). Cytogenetic location: 5q31.2.
Variant type: single nucleotide variant.
Coding change: c.586C>A on transcript NM_005733.3 (MANE Select); coding-DNA position 586, C replaced by A.
Protein change: p.His196Asn; replaces histidine 196 with asparagine.
Molecular consequence: missense variant.
Genome position (GRCh38, 1-based): chr5:138,182,657, C>A. VCF-style: chr5-138182657-C-A. GRCh37 (hg19) VCF-style: chr5-137518346-C-A.
Other names: short protein forms H196N.
Identifiers: ClinVar variation 3725762 (VCV003725762.2).